The following is an entry in ClinVar:

NM_016356.5(DCDC2):c.232G>C (p.Asp78His)

Genes: DCDC2 (doublecortin domain containing 2; minus strand), KAAG1 (kidney associated DCDC2 antisense RNA 1; plus strand). Cytogenetic location: 6p22.3.
Variant type: single nucleotide variant.
Coding change: c.232G>C on transcript NM_016356.5 (MANE Select); coding-DNA position 232, G replaced by C.
Protein change: p.Asp78His; replaces aspartic acid 78 with histidine.
Molecular consequence: missense variant.
Genome position (GRCh38, 1-based): chr6:24,357,519, C>G on the plus strand (G>C on the coding strand, the complement: DCDC2 is on the minus strand). VCF-style: chr6-24357519-C-G. GRCh37 (hg19) VCF-style: chr6-24357747-C-G.
Other names: c.232G>C, p.Asp78His (NM_001195610.2); short protein forms D78H.
Identifiers: ClinVar variation 1312394 (VCV001312394.2), dbSNP rs1194201712, ClinGen allele CA363278896.

ClinVar aggregate classification (germline): Uncertain significance (1 of 4 stars; one submission).

Allele frequency attached by ClinVar (database versions not stated): gnomAD 0.00001; TOPMed 0.00001.
gnomAD v4.1: 4 of 1,613,436 alleles (0.00025%); highest among the groups gnomAD compares: Admixed American, 0.0067%; no homozygotes.

Submission:

GeneDx
Classification: Uncertain significance. Last evaluated: 2020-01-14. Review status: criteria provided, single submitter. Criteria: GeneDx Variant Classification Process June 2021. Collection method: clinical testing. Allele origin: germline. Affected: yes.
Comment: In silico analysis, which includes protein predictors and evolutionary conservation, supports a deleterious effect; Has not been previously published as pathogenic or benign to our knowledge